The following is an entry in ClinVar:

ClinVar aggregate classification (germline): Uncertain significance. Review status: criteria provided, multiple submitters, no conflicts (2 of 4 stars). 3 submissions from 3 submitters: Uncertain significance (3). Last evaluated 2026-04-01.

Conditions:
Inborn genetic diseases. Identifiers: MedGen C0950123, MeSH D030342.

Allele frequency attached by ClinVar (database versions not stated): TOPMed 0.00002; ExAC 0.00003; gnomAD 0.00003.
gnomAD v4.1: 34 of 1,602,244 alleles (0.0021%); highest among the groups gnomAD compares: Non-Finnish European, 0.0027%; no homozygotes.

Submissions (3):

CeGaT Center for Human Genetics Tuebingen
Classification: Uncertain significance. Last evaluated: 2026-04-01. Review status: criteria provided, single submitter. Criteria: CeGaT Center For Human Genetics Tuebingen Variant Classification Criteria Version 2. Collection method: clinical testing. Allele origin: germline. Affected: yes. Observed: 1 variant allele.
Comment: SLC12A6: PM2, BP4

Labcorp Genetics (formerly Invitae), Labcorp
Classification: Uncertain significance. Last evaluated: 2025-05-02. Review status: criteria provided, single submitter. Criteria: Invitae Variant Classification Sherloc (09022015). Collection method: clinical testing. Allele origin: germline.
Comment: This sequence change replaces asparagine, which is neutral and polar, with tyrosine, which is neutral and polar, at codon 411 of the SLC12A6 protein (p.Asn411Tyr). This variant is present in population databases (rs770431267, gnomAD 0.004%). This variant has not been reported in the literature in individuals affected with SLC12A6-related conditions. ClinVar contains an entry for this variant (Variation ID: 2083905). Invitae Evidence Modeling of protein sequence and biophysical properties (such as structural, functional, and spatial information, amino acid conservation, physicochemical variation, residue mobility, and thermodynamic stability) indicates that this missense variant is not expected to disrupt SLC12A6 protein function with a negative predictive value of 95%. In summary, the available evidence is currently insufficient to determine the role of this variant in disease. Therefore, it has been classified as a Variant of Uncertain Significance.

Ambry Genetics
Classification: Uncertain significance for Inborn genetic diseases. Last evaluated: 2023-12-16. Review status: criteria provided, single submitter. Criteria: Ambry Variant Classification Scheme 2023. Collection method: clinical testing. Allele origin: germline.

NM_001365088.1(SLC12A6):c.1231A>T (p.Asn411Tyr)

Gene: SLC12A6 (solute carrier family 12 member 6; minus strand). Cytogenetic location: 15q14.
Variant type: single nucleotide variant.
Coding change: c.1231A>T on transcript NM_001365088.1 (MANE Select); coding-DNA position 1231, A replaced by T.
Protein change: p.Asn411Tyr; replaces asparagine 411 with tyrosine.
Molecular consequence: missense variant.
Genome position (GRCh38, 1-based): chr15:34,252,272, T>A on the plus strand (A>T on the coding strand, the complement: SLC12A6 is on the minus strand). VCF-style: chr15-34252272-T-A. GRCh37 (hg19) VCF-style: chr15-34544473-T-A.
Other names: c.1054A>T, p.Asn352Tyr (NM_001042494.2, NM_001042495.2); c.1204A>T, p.Asn402Tyr (NM_001042496.2); c.1186A>T, p.Asn396Tyr (NM_001042497.2); c.1078A>T, p.Asn360Tyr (NM_005135.2); c.1231A>T, p.Asn411Tyr (NM_133647.2); short protein forms N360Y, N411Y, N352Y, N402Y, N396Y.
Identifiers: ClinVar variation 2083905 (VCV002083905.6), dbSNP rs770431267, ClinGen allele CA7464355.